The following is an entry in ClinVar:

NM_017514.5(PLXNA3):c.2580C>T (p.Ile860=)

Gene: PLXNA3 (plexin A3; plus strand). Cytogenetic location: Xq28.
Variant type: single nucleotide variant.
Coding change: c.2580C>T on transcript NM_017514.5 (MANE Select); coding-DNA position 2580, C replaced by T.
Protein change: p.Ile860=; no amino-acid change (isoleucine 860 retained).
Molecular consequence: synonymous variant.
Genome position (GRCh38, 1-based): chrX:154,465,982, C>T. VCF-style: chrX-154465982-C-T. GRCh37 (hg19) VCF-style: chrX-153694325-C-T.
Identifiers: ClinVar variation 3048429 (VCV003048429.2), dbSNP rs6643609, ClinGen allele CA10564413.

ClinVar aggregate classification (germline): Likely benign (0 of 4 stars; one submission).

Conditions:
PLXNA3-related disorder. Also called: PLXNA3-related condition.

Allele frequency attached by ClinVar (database versions not stated): gnomAD exomes 0.00004; TOPMed 0.00012; ExAC 0.00015; gnomAD 0.00015; ESP Exome Variant Server 0.00019; 1000 Genomes Project 30x 0.00062; 1000 Genomes Project 0.00079.
gnomAD v4.1: 85 of 1,210,052 alleles (0.007%); highest among the groups gnomAD compares: East Asian, 0.12%; no homozygotes.

Submission:

PreventionGenetics, part of Exact Sciences
Classification: Likely benign for PLXNA3-related condition. Last evaluated: 2022-04-06. Review status: no assertion criteria provided. Collection method: clinical testing. Allele origin: germline.
Comment: This variant is classified as likely benign based on ACMG/AMP sequence variant interpretation guidelines (Richards et al. 2015 PMID: 25741868, with internal and published modifications).